The following is an entry in ClinVar:

NM_017617.5(NOTCH1):c.1896del (p.Thr633fs)

Gene: NOTCH1 (notch receptor 1; minus strand). Cytogenetic location: 9q34.3.
Variant type: Deletion.
Coding change: c.1896del on transcript NM_017617.5 (MANE Select); coding-DNA position 1896, one base deleted (G; older notation c.1896delG).
Protein change: p.Thr633fs; shifts the reading frame from threonine 633.
Molecular consequence: frameshift variant.
Genome position (GRCh38, 1-based): chr9:136,515,490, C deleted on the plus strand (G on the coding strand, the reverse complement: NOTCH1 is on the minus strand); the first of 4 consecutive C bases (chr9:136,515,490-136,515,493); deleting any one gives the same sequence. VCF-style (leftmost placement, unchanged base first): chr9-136515489-TC-T. GRCh37 (hg19) VCF-style: chr9-139409941-TC-T.
Other names: short protein forms T633fs.
Identifiers: ClinVar variation 4635489 (VCV004635489.1).
Genomic context (GRCh38, chr9:136,515,489, plus strand): 5'-CTCAGGCCCGCCCTGCCCACTGGCCCCCCGCCGGCCACCCGCCTGGCCGGCCACCTGTGG[TC>T]CCCTTCAGGCAGAAGCAGAGGTAGGCGTTGTCGCGGTCCTGGCAGGTGCCCCCGTGGCGG-3'

ClinVar aggregate classification (germline): Pathogenic (1 of 4 stars; one submission).

Conditions:
Familial thoracic aortic aneurysm and aortic dissection (TAAD). Also called: Thoracic aortic aneurysms and dissections. Identifiers: Orphanet 91387, MedGen C4707243, MONDO:0019625.

Submission:

Ambry Genetics
Classification: Pathogenic for Familial thoracic aortic aneurysm and aortic dissection. Last evaluated: 2025-09-22. Review status: criteria provided, single submitter. Criteria: Ambry Variant Classification Scheme 2023. Collection method: clinical testing. Allele origin: germline.
Comment: The c.1896delG (p.T633Pfs*139) alteration, located in exon 11 (coding exon 11) of the NOTCH1 gene, consists of a deletion of one nucleotide at position 1896, causing a translational frameshift with a predicted alternate stop codon after 139 amino acids. This alteration is expected to result in loss of function by premature protein truncation or nonsense-mediated mRNA decay. for NOTCH1-related cardiovascular disorders; however, its clinical significance for NOTCH1-related leukoencephalopathy is uncertain. This variant was not reported in population-based cohorts in the Genome Aggregation Database (gnomAD). Based on the available evidence, this alteration is classified as pathogenic.